The following is an entry in ClinVar:

NM_000214.3(JAG1):c.859A>T (p.Asn287Tyr)

Gene: JAG1 (jagged canonical Notch ligand 1; minus strand). Cytogenetic location: 20p12.2.
Variant type: single nucleotide variant.
Coding change: c.859A>T on transcript NM_000214.3 (MANE Select); coding-DNA position 859, A replaced by T.
Protein change: p.Asn287Tyr; replaces asparagine 287 with tyrosine.
Molecular consequence: missense variant.
Genome position (GRCh38, 1-based): chr20:10,652,495, T>A on the plus strand (A>T on the coding strand, the complement: JAG1 is on the minus strand). VCF-style: chr20-10652495-T-A. GRCh37 (hg19) VCF-style: chr20-10633143-T-A.
Other names: short protein forms N287Y.
Identifiers: ClinVar variation 3573152 (VCV003573152.2).

Conditions:
Arteriohepatic dysplasia. Also called: Alagille Syndrome. Identifiers: Orphanet 52, MedGen C0085280, MeSH D016738, MONDO:0007318.

Submission:

Gilbert/Spinner Lab, Children's Hospital of Philadelphia
No classification provided (evidence only). Condition: Alagille syndrome. Review status: no classification provided. Collection method: research. Allele origin: not applicable. Functional consequence: functionally_abnormal.
ClinVar note: "not provided" was previously submitted as the classification for the variant. However, the classification appeared to be based only on an observation of functional data so it was converted to no classification on 2025-07-30.